The following is an entry in ClinVar:

NM_000268.4(NF2):c.627_628del (p.Lys209fs)

Gene: NF2 (NF2, moesin-ezrin-radixin like (MERLIN) tumor suppressor; plus strand). Cytogenetic location: 22q12.2.
Variant type: Deletion.
Coding change: c.627_628del on transcript NM_000268.4 (MANE Select); coding-DNA positions 627 to 628, 2 bases deleted (GA; older notation c.627_628delGA).
Protein change: p.Lys209fs; shifts the reading frame from lysine 209.
Molecular consequence: frameshift variant. On other transcripts: non-coding transcript variant (1), intron variant (1).
Genome position (GRCh38, 1-based): chr22:29,658,216-29,658,217, GA deleted; deleting any 2 consecutive bases within chr22:29,658,215-29,658,217 gives the same sequence; the c. name uses the placement nearest the transcript's 3' end. VCF-style (leftmost placement, unchanged base first): chr22-29658214-AAG-A. GRCh37 (hg19) VCF-style: chr22-30054203-AAG-A.
Other names: c.513_514delGA, p.Lys171Asnfs (NM_001407053.1, NM_001407056.1); c.504_505delGA, p.Lys168Asnfs (NM_001407054.1, NM_001407058.1, NM_001407062.1); c.501_502delGA, p.Lys167Asnfs (NM_001407055.1); c.627_628delGA, p.Lys209Asnfs (NM_001407057.1, NM_001407059.1, NM_001407060.1 and 1 more transcripts); c.378_379delGA, p.Lys126Asnfs (NM_001407063.1, NM_001407064.1); c.93_94delGA, p.Lys31Asnfs (NM_001407065.1); c.396_397delGA, p.Lys132Asnfs (NM_001407067.1); c.627_628del, p.Lys209fs (NM_016418.5, NM_181825.3, NM_181832.3); and 4 more; short protein forms K126fs, K209fs, K168fs, K167fs.
Identifiers: ClinVar variation 2026778 (VCV002026778.4), dbSNP rs2518575127, ClinGen allele CA2580099508.
Genomic context (GRCh38, chr22:29,658,214, plus strand): 5'-AGCTCCAATGACAGTGTCTTCCGTTCTCCCCACAGGGATGAAGCTGAAATGGAATATCTG[AAG>A]ATAGCTCAGGACCTGGAGATGTACGGTGTGAACTACTTTGCAATCCGGGTGTGTTGAAAC-3'

ClinVar aggregate classification (germline): Pathogenic (1 of 4 stars; one submission).

Conditions:
Neurofibromatosis, type 2 (SWNV). Also called: NF2-Related Schwannomatosis; BILATERAL ACOUSTIC NEUROFIBROMATOSIS; SCHWANNOMATOSIS, VESTIBULAR. Identifiers: Orphanet 637, MedGen C0027832, MONDO:0007039, OMIM 101000. Disease mechanism: loss of function.

Submission:

Labcorp Genetics (formerly Invitae), Labcorp
Classification: Pathogenic for Neurofibromatosis, type 2. Last evaluated: 2022-08-24. Review status: criteria provided, single submitter. Criteria: Invitae Variant Classification Sherloc (09022015). Collection method: clinical testing. Allele origin: germline.
Comment: This sequence change creates a premature translational stop signal (p.Lys209Asnfs*18) in the NF2 gene. It is expected to result in an absent or disrupted protein product. Loss-of-function variants in NF2 are known to be pathogenic (PMID: 9643284, 16983642). This variant is not present in population databases (gnomAD no frequency). This variant has not been reported in the literature in individuals affected with NF2-related conditions. For these reasons, this variant has been classified as Pathogenic.

Literature cited by the submitters: PubMed 9643284; PubMed 16983642.